The following is an entry in ClinVar:

NM_003136.4(SRP54):c.431C>A (p.Ala144Asp)

Gene: SRP54 (signal recognition particle 54; plus strand). Cytogenetic location: 14q13.2.
Variant type: single nucleotide variant.
Coding change: c.431C>A on transcript NM_003136.4 (MANE Select); coding-DNA position 431, C replaced by A.
Protein change: p.Ala144Asp; replaces alanine 144 with aspartic acid.
Molecular consequence: missense variant.
Genome position (GRCh38, 1-based): chr14:35,008,777, C>A. VCF-style: chr14-35008777-C-A. GRCh37 (hg19) VCF-style: chr14-35477983-C-A.
Other names: c.284C>A, p.Ala95Asp (NM_001146282.2); short protein forms A95D, A144D.
Identifiers: ClinVar variation 1466848 (VCV001466848.8), dbSNP rs2138999282, ClinGen allele CA389439879.
Genomic context (GRCh38, chr14:35,008,777, plus strand): 5'-TGTTTTATATAATTTTTATTTTCAAGTTTGAGGATTCATGAACTCTTTATCTTCCAGGGG[C>A]TTTTGACCAACTAAAACAGAATGCTACCAAAGCAAGAATTCCATTTTATGGAAGGTAGGT-3'
Protein context (NP_003127.1, residues 134-154): LICADTFRAG[Ala144Asp]FDQLKQNATK

ClinVar aggregate classification (germline): Uncertain significance (1 of 4 stars; one submission).

Submission:

Labcorp Genetics (formerly Invitae), Labcorp
Classification: Uncertain significance. Last evaluated: 2022-09-01. Review status: criteria provided, single submitter. Criteria: Invitae Variant Classification Sherloc (09022015). Collection method: clinical testing. Allele origin: germline.
Comment: This sequence change replaces alanine, which is neutral and non-polar, with aspartic acid, which is acidic and polar, at codon 144 of the SRP54 protein (p.Ala144Asp). This variant is not present in population databases (gnomAD no frequency). This variant has not been reported in the literature in individuals affected with SRP54-related conditions. ClinVar contains an entry for this variant (Variation ID: 1466848). Algorithms developed to predict the effect of missense changes on protein structure and function are either unavailable or do not agree on the potential impact of this missense change (SIFT: "Deleterious"; PolyPhen-2: "Probably Damaging"; Align-GVGD: "Class C15"). In summary, the available evidence is currently insufficient to determine the role of this variant in disease. Therefore, it has been classified as a Variant of Uncertain Significance.